The following is an entry in ClinVar:

ClinVar aggregate classification (germline): Uncertain significance (1 of 4 stars; one submission).

Submission:

Labcorp Genetics (formerly Invitae), Labcorp
Classification: Uncertain significance. Last evaluated: 2022-02-18. Review status: criteria provided, single submitter. Criteria: Invitae Variant Classification Sherloc (09022015). Collection method: clinical testing. Allele origin: germline.
Comment: In summary, the available evidence is currently insufficient to determine the role of this variant in disease. Therefore, it has been classified as a Variant of Uncertain Significance. Algorithms developed to predict the effect of missense changes on protein structure and function are either unavailable or do not agree on the potential impact of this missense change (SIFT: "Tolerated"; PolyPhen-2: "Possibly Damaging"; Align-GVGD: "Class C0"). This variant has not been reported in the literature in individuals affected with TTLL5-related conditions. This variant is present in population databases (no rsID available, gnomAD 0.003%). This sequence change replaces glutamic acid, which is acidic and polar, with lysine, which is basic and polar, at codon 529 of the TTLL5 protein (p.Glu529Lys).

NM_015072.5(TTLL5):c.1585G>A (p.Glu529Lys)

Gene: TTLL5 (tubulin tyrosine ligase like 5; plus strand). Cytogenetic location: 14q24.3.
Variant type: single nucleotide variant.
Coding change: c.1585G>A on transcript NM_015072.5 (MANE Select); coding-DNA position 1585, G replaced by A.
Protein change: p.Glu529Lys; replaces glutamic acid 529 with lysine.
Molecular consequence: missense variant.
Genome position (GRCh38, 1-based): chr14:75,764,649, G>A. VCF-style: chr14-75764649-G-A. GRCh37 (hg19) VCF-style: chr14-76230992-G-A.
Other names: short protein forms E529K.
Identifiers: ClinVar variation 1947254 (VCV001947254.5), dbSNP rs1240711454, ClinGen allele CA390466294.